The following is an entry in ClinVar:

NM_000748.3(CHRNB2):c.553T>C (p.Leu185=)

Gene: CHRNB2 (cholinergic receptor nicotinic beta 2 subunit; plus strand). Cytogenetic location: 1q21.3.
Variant type: single nucleotide variant.
Coding change: c.553T>C on transcript NM_000748.3 (MANE Select); coding-DNA position 553, T replaced by C.
Protein change: p.Leu185=; no amino-acid change (leucine 185 retained).
Molecular consequence: synonymous variant.
Genome position (GRCh38, 1-based): chr1:154,571,376, T>C. VCF-style: chr1-154571376-T-C. GRCh37 (hg19) VCF-style: chr1-154543852-T-C.
Identifiers: ClinVar variation 3353230 (VCV003353230.1).
Genomic context (GRCh38, chr1:154,571,376, plus strand): 5'-GACCAGCAGAACTGCACCATGAAGTTCCGTTCGTGGACCTACGACCGCACAGAGATCGAC[T>C]TGGTGCTGAAGAGTGAGGTGGCCAGCCTGGACGACTTCACACCTAGTGGTGAGTGGGACA-3'
Protein context (NP_000739.1, residues 175-195): SWTYDRTEID[Leu185=]VLKSEVASLD

ClinVar aggregate classification (germline): Likely benign (0 of 4 stars; one submission).

Conditions:
CHRNB2-related disorder. Also called: CHRNB2-related condition.

Submission:

PreventionGenetics, part of Exact Sciences
Classification: Likely benign for CHRNB2-related condition. Last evaluated: 2024-07-09. Review status: no assertion criteria provided. Collection method: clinical testing. Allele origin: germline.
Comment: This variant is classified as likely benign based on ACMG/AMP sequence variant interpretation guidelines (Richards et al. 2015 PMID: 25741868, with internal and published modifications).